The following is an entry in ClinVar:

ClinVar aggregate classification (germline): Benign/Likely benign. Review status: criteria provided, multiple submitters, no conflicts (2 of 4 stars). 3 submissions from 3 submitters: Benign (1); Likely benign (1). 1 of the submissions does not count toward it. Last evaluated 2025-11-10.

Conditions:
GM2A-related condition.
Tay-Sachs disease, variant AB. Also called: GM2 Activator Deficiency; Gm2-gangliosidosis, ab variant. Identifiers: Orphanet 309246, MedGen C0268275, MONDO:0010099, OMIM 272750.

Allele frequency attached by ClinVar (database versions not stated): gnomAD exomes 0.00008 and 0.00029; ExAC 0.00044; gnomAD 0.00092 and 0.00096; 1000 Genomes Project 0.00100; ESP Exome Variant Server 0.00100; TOPMed 0.00106; 1000 Genomes Project 30x 0.00109.
gnomAD v4.1: 272 of 1,614,018 alleles (0.017%); highest among the groups gnomAD compares: African/African-American, 0.29%; no homozygotes.

Submissions (3):

Labcorp Genetics (formerly Invitae), Labcorp
Classification: Benign for Tay-Sachs disease, variant AB. Last evaluated: 2025-11-10. Review status: criteria provided, single submitter. Criteria: Invitae Variant Classification Sherloc (09022015). Collection method: clinical testing. Allele origin: germline.

Illumina Laboratory Services, Illumina
Classification: Likely benign for Tay-Sachs disease, variant AB. Last evaluated: 2018-01-13. Review status: criteria provided, single submitter. Criteria: ICSL Variant Classification Criteria 13 December 2019. Collection method: clinical testing. Allele origin: germline.
Comment: This variant was observed in the ICSL laboratory as part of a predisposition screen in an ostensibly healthy population. It had not been previously curated by ICSL or reported in the Human Gene Mutation Database (HGMD: prior to June 1st, 2018), and was therefore a candidate for classification through an automated scoring system. Utilizing variant allele frequency, disease prevalence and penetrance estimates, and inheritance mode, an automated score was calculated to assess if this variant is too frequent to cause the disease. Based on the score and internal cut-off values, a variant classified as likely benign is not then subjected to further curation. The score for this variant resulted in a classification of likely benign for this disease.

PreventionGenetics, part of Exact Sciences
Classification: Likely benign for GM2A-related condition. Last evaluated: 2024-03-29. Review status: no assertion criteria provided. Collection method: clinical testing. Allele origin: germline. Not counted in ClinVar's aggregate classification.
Comment: This variant is classified as likely benign based on ACMG/AMP sequence variant interpretation guidelines (Richards et al. 2015 PMID: 25741868, with internal and published modifications).

NM_000405.5(GM2A):c.33C>T (p.Ile11=)

Gene: GM2A (ganglioside GM2 activator; plus strand). Cytogenetic location: 5q33.1.
Variant type: single nucleotide variant.
Coding change: c.33C>T on transcript NM_000405.5 (MANE Select); coding-DNA position 33, C replaced by T.
Protein change: p.Ile11=; no amino-acid change (isoleucine 11 retained).
Molecular consequence: synonymous variant.
Genome position (GRCh38, 1-based): chr5:151,253,249, C>T. VCF-style: chr5-151253249-C-T. GRCh37 (hg19) VCF-style: chr5-150632810-C-T.
Other names: c.33C>T, p.Ile11= (NM_001167607.3).
Identifiers: ClinVar variation 723305 (VCV000723305.12), dbSNP rs143867953, ClinGen allele CA3517837.